The following is an entry in ClinVar:

ClinVar aggregate classification (germline): Uncertain significance. Review status: criteria provided, multiple submitters, no conflicts (2 of 4 stars). 3 submissions from 3 submitters: Uncertain significance (3). Last evaluated 2023-11-09.

Conditions:
Hereditary cancer-predisposing syndrome. Also called: Neoplastic Syndromes, Hereditary; Hereditary neoplastic syndrome; Tumor predisposition; Hereditary Cancer Syndrome. Identifiers: Orphanet 140162, MedGen C0027672, MeSH D009386, MONDO:0015356.
Ataxia-telangiectasia syndrome (AT). Also called: Ataxia telangiectasia (A-T); Cerebello-oculocutaneous telangiectasia; Immunodeficiency with ataxia telangiectasia; LOUIS-BAR SYNDROME; AT, COMPLEMENTATION GROUP C; ATAXIA-TELANGIECTASIA, FRESNO VARIANT. Identifiers: Orphanet 100, MedGen C0004135, MONDO:0008840, OMIM 208900.

Submissions (3):

Ambry Genetics
Classification: Uncertain significance for Hereditary cancer-predisposing syndrome. Last evaluated: 2023-11-09. Review status: criteria provided, single submitter. Criteria: Ambry Variant Classification Scheme 2023. Collection method: clinical testing. Allele origin: germline.
Comment: The p.A2274S variant (also known as c.6820G>T), located in coding exon 46 of the ATM gene, results from a G to T substitution at nucleotide position 6820. The alanine at codon 2274 is replaced by serine, an amino acid with similar properties. This amino acid position is highly conserved in available vertebrate species. In addition, the in silico prediction for this alteration is inconclusive. Since supporting evidence is limited at this time, the clinical significance of this alteration remains unclear.

Labcorp Genetics (formerly Invitae), Labcorp
Classification: Uncertain significance for Ataxia-telangiectasia syndrome. Last evaluated: 2021-08-28. Review status: criteria provided, single submitter. Criteria: Invitae Variant Classification Sherloc (09022015). Collection method: clinical testing. Allele origin: germline.
Comment: This sequence change replaces alanine with serine at codon 2274 of the ATM protein (p.Ala2274Ser). The alanine residue is highly conserved and there is a moderate physicochemical difference between alanine and serine. This variant is not present in population databases (ExAC no frequency). This variant has not been reported in the literature in individuals affected with ATM-related conditions. ClinVar contains an entry for this variant (Variation ID: 229979). Algorithms developed to predict the effect of missense changes on protein structure and function (SIFT, PolyPhen-2, Align-GVGD) all suggest that this variant is likely to be disruptive. Algorithms developed to predict the effect of sequence changes on RNA splicing suggest that this variant may create or strengthen a splice site. In summary, the available evidence is currently insufficient to determine the role of this variant in disease. Therefore, it has been classified as a Variant of Uncertain Significance.

Color Diagnostics, LLC DBA Color Health
Classification: Uncertain significance for Hereditary cancer-predisposing syndrome. Last evaluated: 2019-04-04. Review status: criteria provided, single submitter. Criteria: ACMG Guidelines, 2015. Collection method: clinical testing. Allele origin: germline.

NM_000051.4(ATM):c.6820G>T (p.Ala2274Ser)

Genes: ATM (ATM serine/threonine kinase; plus strand), C11orf65 (chromosome 11 open reading frame 65; minus strand). Cytogenetic location: 11q22.3.
Variant type: single nucleotide variant.
Coding change: c.6820G>T on transcript NM_000051.4 (MANE Select); coding-DNA position 6820, G replaced by T.
Protein change: p.Ala2274Ser; replaces alanine 2274 with serine.
Molecular consequence: missense variant. On other transcripts: intron variant (2).
Genome position (GRCh38, 1-based): chr11:108,326,070, G>T. VCF-style: chr11-108326070-G-T. GRCh37 (hg19) VCF-style: chr11-108196797-G-T.
Other names: c.6820G>T, p.Ala2274Ser (NM_001351834.2); c.641-16999C>A (NM_001330368.2); c.*38+9150C>A (NM_001351110.2); short protein forms A2274S.
Identifiers: ClinVar variation 229979 (VCV000229979.15), dbSNP rs567060474, ClinGen allele CA10579236.